The following is an entry in ClinVar:

ClinVar aggregate classification (germline): Likely benign (0 of 4 stars; one submission).

Conditions:
KDM6B-related disorder. Also called: KDM6B-related condition.

Allele frequency attached by ClinVar (database versions not stated): ExAC 0.00004.

Submission:

PreventionGenetics, part of Exact Sciences
Classification: Likely benign for KDM6B-related condition. Last evaluated: 2019-06-07. Review status: no assertion criteria provided. Collection method: clinical testing. Allele origin: germline.
Comment: This variant is classified as likely benign based on ACMG/AMP sequence variant interpretation guidelines (Richards et al. 2015 PMID: 25741868, with internal and published modifications).

NM_001348716.2(KDM6B):c.3117C>T (p.Gly1039=)

Gene: KDM6B (lysine demethylase 6B; plus strand). Cytogenetic location: 17p13.1.
Variant type: single nucleotide variant.
Coding change: c.3117C>T on transcript NM_001348716.2 (MANE Select); coding-DNA position 3117, C replaced by T.
Protein change: p.Gly1039=; no amino-acid change (glycine 1039 retained).
Molecular consequence: synonymous variant.
Genome position (GRCh38, 1-based): chr17:7,849,405, C>T. VCF-style: chr17-7849405-C-T. GRCh37 (hg19) VCF-style: chr17-7752723-C-T.
Other names: c.3117C>T, p.Gly1039= (NM_001080424.2).
Identifiers: ClinVar variation 3033383 (VCV003033383.2), dbSNP rs546664297, ClinGen allele CA8361078.
Genomic context (GRCh38, chr17:7,849,405, plus strand): 5'-GAACCTGGACCTGCAGAGCGAGGAGATCCAGGGTCGTGAGAAGTCCCGGCCCGATCTTGG[C>T]GGGGCCTCCAAGGCCAAGCCACCCACAGCTCCAGCCCCTCCATCAGCTCCTGCACCTTCT-3'
Protein context (NP_001335645.1, residues 1029-1049): QGREKSRPDL[Gly1039=]GASKAKPPTA